The following is an entry in ClinVar:

NM_020975.6(RET):c.2225C>T (p.Thr742Met)

Gene: RET (ret proto-oncogene; plus strand). Cytogenetic location: 10q11.21.
Variant type: single nucleotide variant.
Coding change: c.2225C>T on transcript NM_020975.6 (MANE Select); coding-DNA position 2225, C replaced by T.
Protein change: p.Thr742Met; replaces threonine 742 with methionine.
Molecular consequence: missense variant.
Genome position (GRCh38, 1-based): chr10:43,116,672, C>T. VCF-style: chr10-43116672-C-T. GRCh37 (hg19) VCF-style: chr10-43612120-C-T.
Other names: c.2090C>T, p.Thr697Met (NM_001406765.1, NM_001406763.1); c.1937C>T, p.Thr646Met (NM_001406766.1, NM_001406767.1, NM_001406770.1); c.1961C>T, p.Thr654Met (NM_001406768.1); c.1829C>T, p.Thr610Met (NM_001406769.1, NM_001406772.1); c.1787C>T, p.Thr596Met (NM_001406771.1, NM_001406773.1); c.1700C>T, p.Thr567Met (NM_001406774.1); c.1235C>T, p.Thr412Met (NM_001406784.1); c.1208C>T, p.Thr403Met (NM_001406785.1); and 10 more; short protein forms T742M, T488M, T259M, T403M, T443M, T697M, T307M, T500M.
Identifiers: ClinVar variation 187701 (VCV000187701.22), dbSNP rs773256580, ClinGen allele CA008602.

ClinVar aggregate classification (germline): Conflicting classifications of pathogenicity. Review status: criteria provided, conflicting classifications (1 of 4 stars). 9 submissions from 8 submitters: Uncertain significance (6); Likely benign (1). 2 of the submissions do not count toward it. Last evaluated 2025-12-03.

Conditions:
Hereditary cancer-predisposing syndrome. Also called: Neoplastic Syndromes, Hereditary; Hereditary Cancer Syndrome; Tumor predisposition; Hereditary neoplastic syndrome. Identifiers: Orphanet 140162, MedGen C0027672, MeSH D009386, MONDO:0015356.
Congenital central hypoventilation. Also called: Congenital Central Hypoventilation Syndrome. Identifiers: Orphanet 661, Orphanet 99803, MedGen C1275808, MONDO:0800031. Disease mechanism: gain of function.
Hirschsprung disease, susceptibility to, 1 (HSCR1). Also called: RET-Related Hirschsprung Disease. Identifiers: Orphanet 388, MedGen C3888239, MONDO:0007723, OMIM 142623.
Multiple endocrine neoplasia type 2A. Also called: MULTIPLE ENDOCRINE NEOPLASIA, TYPE IIA; PTC SYNDROME; SIPPLE SYNDROME; MEN 2A; MEN-2A syndrome; Pheochromocytoma and amyloid producing medullary thyroid carcinoma. Identifiers: Orphanet 247698, Orphanet 653, MedGen C0025268, MeSH D018813, MONDO:0008234, OMIM 171400.
Multiple endocrine neoplasia type 2B. Also called: WAGENMANN-FROBOESE SYNDROME; MULTIPLE ENDOCRINE NEOPLASIA, TYPE III; Multiple endocrine neoplasia, type 3; MULTIPLE ENDOCRINE NEOPLASIA, TYPE IIB; MEN 2B; MEN IIB. Identifiers: Orphanet 247709, Orphanet 653, MedGen C0025269, MeSH D018814, MONDO:0008082, OMIM 162300.
Pheochromocytoma. Also called: MAX-Related Hereditary Paraganglioma-Pheochromocytoma Syndrome. Identifiers: Orphanet 29072, MedGen C0031511, MONDO:0008233, OMIM 171300, HP:0002666.
Familial medullary thyroid carcinoma (MTC). Also called: Thyroid cancer, familial medullary; MTC, familial; Familial Medullary Thyroid Carcinoma (FMTC). Identifiers: Orphanet 653, Orphanet 99361, MedGen C1833921, MONDO:0007958, OMIM 155240.
Multiple endocrine neoplasia, type 2 (MEN2). Identifiers: Orphanet 653, MedGen C4048306, MONDO:0019003. Disease mechanism: gain of function.

Allele frequency attached by ClinVar (database versions not stated): ExAC 0.00002; gnomAD exomes 0.00003 and 0.00002; TOPMed 0.00002.
gnomAD v4.1: 28 of 1,614,184 alleles (0.0017%); highest among the groups gnomAD compares: South Asian, 0.0033%; no homozygotes.

Submissions (9):

Labcorp Genetics (formerly Invitae), Labcorp
Classification: Uncertain significance for Multiple endocrine neoplasia, type 2. Last evaluated: 2025-12-03. Review status: criteria provided, single submitter. Criteria: Invitae Variant Classification Sherloc (09022015). Collection method: clinical testing. Allele origin: germline.
Comment: This sequence change replaces threonine, which is neutral and polar, with methionine, which is neutral and non-polar, at codon 742 of the RET protein (p.Thr742Met). This variant is present in population databases (rs773256580, gnomAD 0.004%). This variant has not been reported in the literature in individuals affected with RET-related conditions. ClinVar contains an entry for this variant (Variation ID: 187701). An algorithm developed to predict the effect of missense changes on protein structure and function (PolyPhen-2) suggests that this variant is likely to be disruptive. In summary, the available evidence is currently insufficient to determine the role of this variant in disease. Therefore, it has been classified as a Variant of Uncertain Significance.

Quest Diagnostics Nichols Institute San Juan Capistrano
Classification: Uncertain significance. Last evaluated: 2025-08-07. Review status: criteria provided, single submitter. Criteria: Quest Diagnostics criteria. Collection method: clinical testing. Allele origin: unknown.

GeneDx
Classification: Uncertain significance. Last evaluated: 2025-05-07. Review status: criteria provided, single submitter. Criteria: GeneDx Variant Classification Process June 2021. Collection method: clinical testing. Allele origin: germline. Affected: yes.
Comment: In silico analysis supports that this missense variant has a deleterious effect on protein structure/function; Observed in a healthy individual undergoing genetic testing (PMID: 25425582); This variant is associated with the following publications: (PMID: Huret2020[article], 25425582, 14633923)

Color Diagnostics, LLC DBA Color Health
Classification: Uncertain significance for Multiple endocrine neoplasia, type 2. Last evaluated: 2023-11-28. Review status: criteria provided, single submitter. Criteria: ACMG Guidelines, 2015. Collection method: clinical testing. Allele origin: germline.
Comment: This missense variant replaces threonine with methionine at codon 742 of the RET protein. Computational prediction suggests that this variant may have deleterious impact on protein structure and function. To our knowledge, functional studies have not been reported for this variant. This variant has not been reported in individuals affected with RET-related disorders in the literature. This variant has been identified in 7/251478 chromosomes in the general population by the Genome Aggregation Database (gnomAD). The available evidence is insufficient to determine the role of this variant in disease conclusively. Therefore, this variant is classified as a Variant of Uncertain Significance.

Baylor Genetics
Classification: Uncertain significance for Hirschsprung disease, susceptibility to, 1. Last evaluated: 2023-11-11. Review status: criteria provided, single submitter. Criteria: ACMG Guidelines, 2015. Collection method: clinical testing. Allele origin: unknown.

Ambry Genetics
Classification: Likely benign for Hereditary cancer-predisposing syndrome. Last evaluated: 2022-12-13. Review status: criteria provided, single submitter. Criteria: Ambry Variant Classification Scheme 2023. Collection method: clinical testing. Allele origin: germline.

Fulgent Genetics
Classification: Uncertain significance for Hirschsprung disease, susceptibility to, 1; Familial medullary thyroid carcinoma; Multiple endocrine neoplasia type 2B; Pheochromocytoma; Multiple endocrine neoplasia type 2A; Central hypoventilation syndrome, congenital, 1, with or without Hirschsprung disease. Last evaluated: 2018-10-31. Review status: criteria provided, single submitter. Criteria: ACMG Guidelines, 2015. Collection method: clinical testing. Allele origin: unknown.

Counsyl
Classification: Uncertain significance for Multiple endocrine neoplasia type 2B. Last evaluated: 2016-06-21. Review status: no assertion criteria provided. Collection method: clinical testing. Allele origin: unknown. Not counted in ClinVar's aggregate classification.

Counsyl
Classification: Uncertain significance for Multiple endocrine neoplasia type 2A. Last evaluated: 2016-06-21. Review status: no assertion criteria provided. Collection method: clinical testing. Allele origin: unknown. Not counted in ClinVar's aggregate classification.

Literature cited by the submitters: PubMed 25425582 (cited by Ambry Genetics and Counsyl).